The following is an entry in ClinVar:

NM_017763.6(RNF43):c.1823G>A (p.Gly608Glu)

Gene: RNF43 (ring finger protein 43; minus strand). Cytogenetic location: 17q22.
Variant type: single nucleotide variant.
Coding change: c.1823G>A on transcript NM_017763.6 (MANE Select); coding-DNA position 1823, G replaced by A.
Protein change: p.Gly608Glu; replaces glycine 608 with glutamic acid.
Molecular consequence: missense variant.
Genome position (GRCh38, 1-based): chr17:58,357,953, C>T on the plus strand (G>A on the coding strand, the complement: RNF43 is on the minus strand). VCF-style: chr17-58357953-C-T. GRCh37 (hg19) VCF-style: chr17-56435314-C-T.
Other names: c.1823G>A, p.Gly608Glu (NM_001305544.3); c.1442G>A, p.Gly481Glu (NM_001305545.2); short protein forms G481E, G608E.
Identifiers: ClinVar variation 1939091 (VCV001939091.5), dbSNP rs1313246620, ClinGen allele CA400387322.

ClinVar aggregate classification (germline): Uncertain significance (1 of 4 stars; one submission).

Allele frequency attached by ClinVar (database versions not stated): gnomAD 0.00001; TOPMed 0.00001.
gnomAD v4.1: 2 of 1,611,648 alleles (0.00012%); highest among the groups gnomAD compares: African/African-American, 0.0027%; no homozygotes.

Submission:

Labcorp Genetics (formerly Invitae), Labcorp
Classification: Uncertain significance. Last evaluated: 2021-12-24. Review status: criteria provided, single submitter. Criteria: Invitae Variant Classification Sherloc (09022015). Collection method: clinical testing. Allele origin: germline.
Comment: This sequence change replaces glycine, which is neutral and non-polar, with glutamic acid, which is acidic and polar, at codon 608 of the RNF43 protein (p.Gly608Glu). This variant is not present in population databases (gnomAD no frequency). This variant has not been reported in the literature in individuals affected with RNF43-related conditions. Algorithms developed to predict the effect of missense changes on protein structure and function are either unavailable or do not agree on the potential impact of this missense change (SIFT: "Tolerated"; PolyPhen-2: "Possibly Damaging"; Align-GVGD: "Class C0"). In summary, the available evidence is currently insufficient to determine the role of this variant in disease. Therefore, it has been classified as a Variant of Uncertain Significance.